The following is an entry in ClinVar:

NM_006739.4(MCM5):c.128G>T (p.Arg43Leu)

Gene: MCM5 (minichromosome maintenance complex component 5; plus strand). Cytogenetic location: 22q12.3.
Variant type: single nucleotide variant.
Coding change: c.128G>T on transcript NM_006739.4 (MANE Select); coding-DNA position 128, G replaced by T.
Protein change: p.Arg43Leu; replaces arginine 43 with leucine.
Molecular consequence: missense variant.
Genome position (GRCh38, 1-based): chr22:35,400,566, G>T. VCF-style: chr22-35400566-G-T. GRCh37 (hg19) VCF-style: chr22-35796559-G-T.
Other names: short protein forms R43L.
Identifiers: ClinVar variation 1406715 (VCV001406715.6), dbSNP rs2145779463, ClinGen allele CA411356729.

ClinVar aggregate classification (germline): Uncertain significance (1 of 4 stars; one submission).

Submission:

Labcorp Genetics (formerly Invitae), Labcorp
Classification: Uncertain significance. Last evaluated: 2022-07-19. Review status: criteria provided, single submitter. Criteria: Invitae Variant Classification Sherloc (09022015). Collection method: clinical testing. Allele origin: germline.
Comment: This sequence change replaces arginine, which is basic and polar, with leucine, which is neutral and non-polar, at codon 43 of the MCM5 protein (p.Arg43Leu). In summary, the available evidence is currently insufficient to determine the role of this variant in disease. Therefore, it has been classified as a Variant of Uncertain Significance. Algorithms developed to predict the effect of missense changes on protein structure and function (SIFT, PolyPhen-2, Align-GVGD) all suggest that this variant is likely to be tolerated. ClinVar contains an entry for this variant (Variation ID: 1406715). This variant has not been reported in the literature in individuals affected with MCM5-related conditions. This variant is not present in population databases (gnomAD no frequency).